The following is an entry in ClinVar:

ClinVar aggregate classification (germline): Benign (1 of 4 stars; one submission).

Conditions:
Sessile serrated polyposis cancer syndrome (SSPCS). Identifiers: Orphanet 157798, MedGen C4310714, MONDO:0014919, OMIM 617108.

gnomAD v4.1: 1 of 1,611,914 alleles (0.000062%); no homozygotes.

Submission:

Myriad Genetics, Inc.
Classification: Benign for Sessile serrated polyposis cancer syndrome. Last evaluated: 2026-07-02. Review status: criteria provided, single submitter. Criteria: Myriad Autosomal Dominant, Autosomal Recessive and X-Linked Classification Criteria (2023). Collection method: clinical testing. Allele origin: unknown.
Comment: This variant is considered benign. This variant is a silent/synonymous amino acid change and it is not expected to impact splicing.

NM_017763.6(RNF43):c.1824G>A (p.Gly608=)

Gene: RNF43 (ring finger protein 43; minus strand). Cytogenetic location: 17q22.
Variant type: single nucleotide variant.
Coding change: c.1824G>A on transcript NM_017763.6 (MANE Select); coding-DNA position 1824, G replaced by A.
Protein change: p.Gly608=; no amino-acid change (glycine 608 retained).
Molecular consequence: synonymous variant.
Genome position (GRCh38, 1-based): chr17:58,357,952, C>T on the plus strand (G>A on the coding strand, the complement: RNF43 is on the minus strand). VCF-style: chr17-58357952-C-T. GRCh37 (hg19) VCF-style: chr17-56435313-C-T.
Other names: c.1824G>A, p.Gly608= (NM_001305544.3, NM_001438820.1, NM_001438821.1 and 1 more transcripts); c.1443G>A, p.Gly481= (NM_001305545.2, NM_001437987.1).
Identifiers: ClinVar variation 5042432 (VCV005042432.1).